The following is an entry in ClinVar:

ClinVar aggregate classification (germline): Uncertain significance (1 of 4 stars; one submission).

Allele frequency attached by ClinVar (database versions not stated): TOPMed below 0.00001; ESP Exome Variant Server 0.00008.
gnomAD v4.1: 1 of 1,614,142 alleles (0.000062%); highest among the groups gnomAD compares: African/African-American, 0.0013%; no homozygotes.

Submission:

Labcorp Genetics (formerly Invitae), Labcorp
Classification: Uncertain significance. Last evaluated: 2022-03-01. Review status: criteria provided, single submitter. Criteria: Invitae Variant Classification Sherloc (09022015). Collection method: clinical testing. Allele origin: germline.
Comment: This variant is not present in population databases (gnomAD no frequency). This variant has not been reported in the literature in individuals affected with HPS5-related conditions. Algorithms developed to predict the effect of missense changes on protein structure and function (SIFT, PolyPhen-2, Align-GVGD) all suggest that this variant is likely to be tolerated. In summary, the available evidence is currently insufficient to determine the role of this variant in disease. Therefore, it has been classified as a Variant of Uncertain Significance. This sequence change replaces leucine, which is neutral and non-polar, with valine, which is neutral and non-polar, at codon 345 of the HPS5 protein (p.Leu345Val).

NM_181507.2(HPS5):c.1033C>G (p.Leu345Val)

Gene: HPS5 (HPS5 biogenesis of lysosomal organelles complex 2 subunit 2; minus strand). Cytogenetic location: 11p15.1.
Variant type: single nucleotide variant.
Coding change: c.1033C>G on transcript NM_181507.2 (MANE Select); coding-DNA position 1033, C replaced by G.
Protein change: p.Leu345Val; replaces leucine 345 with valine.
Molecular consequence: missense variant.
Genome position (GRCh38, 1-based): chr11:18,298,923, G>C on the plus strand (C>G on the coding strand, the complement: HPS5 is on the minus strand). VCF-style: chr11-18298923-G-C. GRCh37 (hg19) VCF-style: chr11-18320470-G-C.
Other names: c.691C>G, p.Leu231Val (NM_007216.4, NM_181508.2); short protein forms L345V, L231V.
Identifiers: ClinVar variation 1898403 (VCV001898403.5), dbSNP rs138066918, ClinGen allele CA5910246.
Genomic context (GRCh38, chr11:18,298,923, plus strand): 5'-GCAGGCGTTCCACACAGCGCTCCACAGATATCAGGGAGAGATGTGAGACTTTCCCATTTA[G>C]GTGCAAACAGAACAATTCATTCCTACAGACAGCCACATCCTGAATATCTACGAAAACCAC-3'
Protein context (NP_852608.1, residues 335-355): VCRNELFCLH[Leu345Val]NGKVSHLSLI